The following is an entry in ClinVar:

NM_001375567.1(FOCAD):c.1468A>T (p.Ile490Phe)

Gene: FOCAD (focadhesin; plus strand). Cytogenetic location: 9p21.3.
Variant type: single nucleotide variant.
Coding change: c.1468A>T on transcript NM_001375567.1 (MANE Select); coding-DNA position 1468, A replaced by T.
Protein change: p.Ile490Phe; replaces isoleucine 490 with phenylalanine.
Molecular consequence: missense variant. On other transcripts: intron variant (1).
Genome position (GRCh38, 1-based): chr9:20,819,808, A>T. VCF-style: chr9-20819808-A-T. GRCh37 (hg19) VCF-style: chr9-20819807-A-T.
Other names: c.1363A>T, p.Ile455Phe (NM_001375570.1); c.1468A>T, p.Ile490Phe (NM_017794.5); c.1456-516A>T (NM_001375568.1); short protein forms I490F, I455F.
Identifiers: ClinVar variation 3657030 (VCV003657030.2).
Genomic context (GRCh38, chr9:20,819,808, plus strand): 5'-CTTTTTTGTAACAAGGCATATTTAATATATTTTAAAAATTCATTTTAGGTGCCAAATCTG[A>T]TTCCAGTTTTGATGTTCAAATTGGGAAGACCACTGGAACCTATATTATATAATGATATAT-3'
Protein context (NP_001362496.1, residues 480-500): QADSSQVPNL[Ile490Phe]PVLMFKLGRP

ClinVar aggregate classification (germline): Uncertain significance (1 of 4 stars; one submission).

Submission:

Labcorp Genetics (formerly Invitae), Labcorp
Classification: Uncertain significance. Last evaluated: 2024-06-19. Review status: criteria provided, single submitter. Criteria: Invitae Variant Classification Sherloc (09022015). Collection method: clinical testing. Allele origin: germline.
Comment: This sequence change replaces isoleucine, which is neutral and non-polar, with phenylalanine, which is neutral and non-polar, at codon 490 of the FOCAD protein (p.Ile490Phe). This variant is not present in population databases (gnomAD no frequency). This variant has not been reported in the literature in individuals affected with FOCAD-related conditions. Experimental studies and prediction algorithms are not available or were not evaluated, and the functional significance of this variant is currently unknown. In summary, the available evidence is currently insufficient to determine the role of this variant in disease. Therefore, it has been classified as a Variant of Uncertain Significance.